The following is an entry in ClinVar:

ClinVar aggregate classification (germline): Uncertain significance. Review status: criteria provided, multiple submitters, no conflicts (2 of 4 stars). 2 submissions from 2 submitters: Uncertain significance (2). Last evaluated 2024-11-28.

Conditions:
Inborn genetic diseases. Identifiers: MedGen C0950123, MeSH D030342.

Allele frequency attached by ClinVar (database versions not stated): gnomAD exomes below 0.00001 and 0.00001; gnomAD 0.00002; TOPMed 0.00002.
gnomAD v4.1: 15 of 1,604,036 alleles (0.00094%); highest among the groups gnomAD compares: African/African-American, 0.0027%; no homozygotes.

Submissions (2):

Ambry Genetics
Classification: Uncertain significance for Inborn genetic diseases. Last evaluated: 2024-11-28. Review status: criteria provided, single submitter. Criteria: Ambry Variant Classification Scheme 2023. Collection method: clinical testing. Allele origin: germline.
Comment: The p.H437Y variant (also known as c.1309C>T), located in coding exon 8 of the ERCC6L2 gene, results from a C to T substitution at nucleotide position 1309. The histidine at codon 437 is replaced by tyrosine, an amino acid with similar properties. This amino acid position is conserved. In addition, this alteration is predicted to be tolerated by in silico analysis. Based on the available evidence, the clinical significance of this variant remains unclear.

Labcorp Genetics (formerly Invitae), Labcorp
Classification: Uncertain significance. Last evaluated: 2023-09-30. Review status: criteria provided, single submitter. Criteria: Invitae Variant Classification Sherloc (09022015). Collection method: clinical testing. Allele origin: germline.
Comment: This sequence change replaces histidine, which is basic and polar, with tyrosine, which is neutral and polar, at codon 448 of the ERCC6L2 protein (p.His448Tyr). This variant is present in population databases (no rsID available, gnomAD 0.0009%). This variant has not been reported in the literature in individuals affected with ERCC6L2-related conditions. ClinVar contains an entry for this variant (Variation ID: 1011557). Algorithms developed to predict the effect of missense changes on protein structure and function output the following: SIFT: "Not Available"; PolyPhen-2: "Not Available"; Align-GVGD: "Not Available". The tyrosine amino acid residue is found in multiple mammalian species, which suggests that this missense change does not adversely affect protein function. In summary, the available evidence is currently insufficient to determine the role of this variant in disease. Therefore, it has been classified as a Variant of Uncertain Significance.

NM_020207.7(ERCC6L2):c.1309C>T (p.His437Tyr)

Gene: ERCC6L2 (ERCC excision repair 6 like 2; plus strand). Cytogenetic location: 9q22.32.
Variant type: single nucleotide variant.
Coding change: c.1309C>T on transcript NM_020207.7 (MANE Select); coding-DNA position 1309, C replaced by T.
Protein change: p.His437Tyr; replaces histidine 437 with tyrosine.
Molecular consequence: missense variant. On other transcripts: non-coding transcript variant (1).
Genome position (GRCh38, 1-based): chr9:95,922,314, C>T. VCF-style: chr9-95922314-C-T. GRCh37 (hg19) VCF-style: chr9-98684596-C-T.
Other names: c.1309C>T, p.His437Tyr (NM_001010895.4, NM_001375291.1, NM_001375292.1 and 2 more transcripts); short protein forms H437Y.
Identifiers: ClinVar variation 1011557 (VCV001011557.7), dbSNP rs1000038914, ClinGen allele CA196575066.